The following is an entry in ClinVar:

NM_003482.4(KMT2D):c.6579G>A (p.Pro2193=)

Gene: KMT2D (lysine methyltransferase 2D; minus strand). Cytogenetic location: 12q13.12.
Variant type: single nucleotide variant.
Coding change: c.6579G>A on transcript NM_003482.4 (MANE Select); coding-DNA position 6579, G replaced by A.
Protein change: p.Pro2193=; no amino-acid change (proline 2193 retained).
Molecular consequence: synonymous variant.
Genome position (GRCh38, 1-based): chr12:49,041,191, C>T on the plus strand (G>A on the coding strand, the complement: KMT2D is on the minus strand). VCF-style: chr12-49041191-C-T. GRCh37 (hg19) VCF-style: chr12-49434974-C-T.
Identifiers: ClinVar variation 1164851 (VCV001164851.36), dbSNP rs556666267, ClinGen allele CA6547230.

ClinVar aggregate classification (germline): Benign/Likely benign. Review status: criteria provided, multiple submitters, no conflicts (2 of 4 stars). 4 submissions from 4 submitters: Benign (3); Likely benign (1). Last evaluated 2025-10-07.

Conditions:
Kabuki syndrome. Also called: Kabuki make-up syndrome; NIIKAWA-KUROKI SYNDROME. Identifiers: Orphanet 2322, MedGen C0796004, MONDO:0016512.

Allele frequency attached by ClinVar (database versions not stated): TOPMed 0.00004; gnomAD 0.00019; gnomAD exomes 0.00031 and 0.00058; 1000 Genomes Project 30x 0.00078; ExAC 0.00080; 1000 Genomes Project 0.00100.
gnomAD v4.1: 456 of 1,514,582 alleles (0.03%); highest among the groups gnomAD compares: South Asian, 0.58%; 4 homozygotes.

Submissions (4):

Labcorp Genetics (formerly Invitae), Labcorp
Classification: Benign for Kabuki syndrome. Last evaluated: 2025-10-07. Review status: criteria provided, single submitter. Criteria: Invitae Variant Classification Sherloc (09022015). Collection method: clinical testing. Allele origin: germline.

Blueprint Genetics
Classification: Likely benign. Last evaluated: 2024-09-02. Review status: criteria provided, single submitter. Criteria: ACMG Guidelines, 2015. Collection method: clinical testing. Allele origin: germline.

CeGaT Center for Human Genetics Tuebingen
Classification: Benign. Last evaluated: 2022-06-01. Review status: criteria provided, single submitter. Criteria: CeGaT Center For Human Genetics Tuebingen Variant Classification Criteria Version 2. Collection method: clinical testing. Allele origin: germline. Affected: yes. Observed: 1 variant allele.
Comment: KMT2D: BS1, BS2

GeneDx
Classification: Benign. Last evaluated: 2021-01-18. Review status: criteria provided, single submitter. Criteria: GeneDx Variant Classification Process June 2021. Collection method: clinical testing. Allele origin: germline. Affected: yes.